The following is an entry in ClinVar:

ClinVar aggregate classification (germline): Uncertain significance (1 of 4 stars; one submission).

Conditions:
Cardiovascular phenotype. Identifiers: MedGen CN230736.
Hereditary cancer-predisposing syndrome. Also called: Hereditary Cancer Syndrome; Neoplastic Syndromes, Hereditary; Tumor predisposition; Hereditary neoplastic syndrome. Identifiers: Orphanet 140162, MedGen C0027672, MeSH D009386, MONDO:0015356.

Submission:

Ambry Genetics
Classification: Uncertain significance for Cardiovascular phenotype; Hereditary cancer-predisposing syndrome. Last evaluated: 2022-08-09. Review status: criteria provided, single submitter. Criteria: Ambry Variant Classification Scheme 2023. Collection method: clinical testing. Allele origin: germline.
Comment: The c.5205+2T>A intronic variant results from a T to A substitution two nucleotides after coding exon 36 in the NF1 gene. This nucleotide position is well conserved in available vertebrate species. In silico splice site analysis predicts that this alteration will weaken the native splice donor site; however, direct evidence is insufficient at this time (Ambry internal data). Since supporting evidence is limited at this time, the clinical significance of this alteration remains unclear.

NM_001042492.3(NF1):c.5268+2T>A

Gene: NF1 (neurofibromin 1; plus strand). Cytogenetic location: 17q11.2.
Variant type: single nucleotide variant.
Coding change: c.5268+2T>A on transcript NM_001042492.3 (MANE Select); the canonical splice donor site of the intron after coding-DNA position 5268, T replaced by A.
Molecular consequence: splice donor variant.
Genome position (GRCh38, 1-based): chr17:31,326,254, T>A. VCF-style: chr17-31326254-T-A. GRCh37 (hg19) VCF-style: chr17-29653272-T-A.
Other names: c.5205+2T>A (NM_000267.4).
Identifiers: ClinVar variation 1746057 (VCV001746057.2), dbSNP rs1555533416, ClinGen allele CA399008442.
Genomic context (GRCh38, chr17:31,326,254, plus strand): 5'-TGAAGGTATTCCACAATGCTCTCAAGCTAGCTCACAAAGACACCAAAGTTTCTATTAAAG[T>A]AAGTTCCAGTCTGTGTTTTGTAAACGATTCATTGCTTTTCTTGACTAACTAGACTATATC-3'